The following is an entry in ClinVar:

ClinVar aggregate classification (germline): Uncertain significance (1 of 4 stars; one submission).

Conditions:
Malignant hyperthermia, susceptibility to, 1 (MHS1). Also called: RYR1-Related Malignant Hyperthermia Susceptibility; Malignant hyperthermia suceptibility 1; Anesthesia related hyperthermia; Malignant hyperpyrexia; Fulminating hyperpyrexia; Pharmacogenic myopathy. Identifiers: Orphanet 423, MedGen C2930980, MONDO:0007783, OMIM 145600.

Submission:

Color Diagnostics, LLC DBA Color Health
Classification: Uncertain significance for Malignant hyperthermia, susceptibility to, 1. Last evaluated: 2025-06-17. Review status: criteria provided, single submitter. Criteria: ACMG Guidelines, 2015. Collection method: clinical testing. Allele origin: germline.
Comment: This missense variant replaces histidine with tyrosine at codon 1687 of the RYR1 protein. Computational prediction suggests that this variant may have deleterious impact on protein structure and function. To our knowledge, functional studies have not been reported for this variant. This variant has not been reported in individuals affected with RYR1-related disorders in the literature. This variant has not been identified in the general population by the Genome Aggregation Database (gnomAD). The available evidence is insufficient to determine the role of this variant in disease conclusively. Therefore, this variant is classified as a Variant of Uncertain Significance.

NM_000540.3(RYR1):c.5059C>T (p.His1687Tyr)

Gene: RYR1 (ryanodine receptor 1; plus strand). Cytogenetic location: 19q13.2.
Variant type: single nucleotide variant.
Coding change: c.5059C>T on transcript NM_000540.3 (MANE Select); coding-DNA position 5059, C replaced by T.
Protein change: p.His1687Tyr; replaces histidine 1687 with tyrosine.
Molecular consequence: missense variant.
Genome position (GRCh38, 1-based): chr19:38,485,714, C>T. VCF-style: chr19-38485714-C-T. GRCh37 (hg19) VCF-style: chr19-38976354-C-T.
Other names: c.5059C>T, p.His1687Tyr (NM_001042723.2); short protein forms H1687Y.
Identifiers: ClinVar variation 4758474 (VCV004758474.1).